The following is an entry in ClinVar:

NM_001875.5(CPS1):c.4018G>A (p.Glu1340Lys)

Gene: CPS1 (carbamoyl-phosphate synthase 1; plus strand). Cytogenetic location: 2q34.
Variant type: single nucleotide variant.
Coding change: c.4018G>A on transcript NM_001875.5 (MANE Select); coding-DNA position 4018, G replaced by A.
Protein change: p.Glu1340Lys; replaces glutamic acid 1340 with lysine.
Molecular consequence: missense variant. On other transcripts: non-coding transcript variant (2).
Genome position (GRCh38, 1-based): chr2:210,668,201, G>A. VCF-style: chr2-210668201-G-A. GRCh37 (hg19) VCF-style: chr2-211532925-G-A.
Other names: c.4018G>A, p.Glu1340Lys (NM_001122633.3, NM_001369257.1); c.4051G>A, p.Glu1351Lys (NM_001369256.1); short protein forms E1340K, E1351K.
Identifiers: ClinVar variation 1383272 (VCV001383272.6), dbSNP rs2105933010, ClinGen allele CA350439891.
Genomic context (GRCh38, chr2:210,668,201, plus strand): 5'-ATTCTTTGCATCCTCTATTTTAATTTTTTATTTATTTCTAAACAGGTGGCTTGCTTTGGT[G>A]AAGGTATTCATACAGCCTTCCTAAAGGCAATGCTTTCCACAGGATTTAAGATACCCCAGA-3'
Protein context (NP_001866.2, residues 1330-1350): ASTGEVACFG[Glu1340Lys]GIHTAFLKAM

ClinVar aggregate classification (germline): Uncertain significance (1 of 4 stars; one submission).

Conditions:
Congenital hyperammonemia, type I. Also called: Carbamoyl phosphate synthetase I deficiency disease; Carbamoyl phosphate synthetase 1 deficiency; Hyperammonemia due to carbamoyl phosphate synthetase 1 deficiency; CPS 1 deficiency; Carbamyl phosphate synthetase (CPS) deficiency; Carbamoyl-phosphate synthase I deficiency. Identifiers: Orphanet 147, MedGen C4082171, MONDO:0009376, OMIM 237300.

Allele frequency attached by ClinVar (database versions not stated): gnomAD exomes below 0.00001.

Submission:

Labcorp Genetics (formerly Invitae), Labcorp
Classification: Uncertain significance for Congenital hyperammonemia, type I. Last evaluated: 2022-07-26. Review status: criteria provided, single submitter. Criteria: Invitae Variant Classification Sherloc (09022015). Collection method: clinical testing. Allele origin: germline.
Comment: This sequence change replaces glutamic acid, which is acidic and polar, with lysine, which is basic and polar, at codon 1340 of the CPS1 protein (p.Glu1340Lys). This variant is not present in population databases (gnomAD no frequency). In summary, the available evidence is currently insufficient to determine the role of this variant in disease. Therefore, it has been classified as a Variant of Uncertain Significance. Algorithms developed to predict the effect of missense changes on protein structure and function (SIFT, PolyPhen-2, Align-GVGD) all suggest that this variant is likely to be tolerated. ClinVar contains an entry for this variant (Variation ID: 1383272). This variant has not been reported in the literature in individuals affected with CPS1-related conditions.